The following is an entry in ClinVar:

ClinVar aggregate classification (germline): Uncertain significance. Review status: criteria provided, multiple submitters, no conflicts (2 of 4 stars). 2 submissions from 2 submitters: Uncertain significance (2). Last evaluated 2024-09-27.

Conditions:
Inborn genetic diseases. Identifiers: MedGen C0950123, MeSH D030342.
Familial hemophagocytic lymphohistiocytosis 3 (FHL3). Also called: UNC13D-Related Familial Hemophagocytic Lymphohistiocytosis (UNC13D-fHLH). Identifiers: Orphanet 540, MedGen C1837174, MONDO:0012146, OMIM 608898.

Allele frequency attached by ClinVar (database versions not stated): TOPMed below 0.00001; gnomAD exomes 0.00001 and 0.00003; ExAC 0.00004.
gnomAD v4.1: 7 of 1,614,094 alleles (0.00043%); highest among the groups gnomAD compares: Admixed American, 0.012%; no homozygotes.

Submissions (2):

Ambry Genetics
Classification: Uncertain significance for Inborn genetic diseases. Last evaluated: 2024-09-27. Review status: criteria provided, single submitter. Criteria: Ambry Variant Classification Scheme 2023. Collection method: clinical testing. Allele origin: germline.

Labcorp Genetics (formerly Invitae), Labcorp
Classification: Uncertain significance for Familial hemophagocytic lymphohistiocytosis 3. Last evaluated: 2024-04-29. Review status: criteria provided, single submitter. Criteria: Invitae Variant Classification Sherloc (09022015). Collection method: clinical testing. Allele origin: germline.
Comment: This sequence change replaces glycine, which is neutral and non-polar, with aspartic acid, which is acidic and polar, at codon 238 of the UNC13D protein (p.Gly238Asp). This variant is present in population databases (rs775232059, gnomAD 0.02%). This variant has not been reported in the literature in individuals affected with UNC13D-related conditions. ClinVar contains an entry for this variant (Variation ID: 1446506). Advanced modeling of protein sequence and biophysical properties (such as structural, functional, and spatial information, amino acid conservation, physicochemical variation, residue mobility, and thermodynamic stability) performed at Invitae indicates that this missense variant is not expected to disrupt UNC13D protein function with a negative predictive value of 80%. In summary, the available evidence is currently insufficient to determine the role of this variant in disease. Therefore, it has been classified as a Variant of Uncertain Significance.

NM_199242.3(UNC13D):c.713G>A (p.Gly238Asp)

Gene: UNC13D (unc-13 homolog D; minus strand). Cytogenetic location: 17q25.1.
Variant type: single nucleotide variant.
Coding change: c.713G>A on transcript NM_199242.3 (MANE Select); coding-DNA position 713, G replaced by A.
Protein change: p.Gly238Asp; replaces glycine 238 with aspartic acid.
Molecular consequence: missense variant.
Genome position (GRCh38, 1-based): chr17:75,840,547, C>T on the plus strand (G>A on the coding strand, the complement: UNC13D is on the minus strand). VCF-style: chr17-75840547-C-T. GRCh37 (hg19) VCF-style: chr17-73836628-C-T.
Other names: c.713G>A (NM_199242.2); short protein forms G238D.
Identifiers: ClinVar variation 1446506 (VCV001446506.8), dbSNP rs775232059, ClinGen allele CA8773317.
Genomic context (GRCh38, chr17:75,840,547, plus strand): 5'-CCTTTCCTCATCCTCCTCACCTGCAGCCTCAGAACCACGTTCCCCAGAAAGTCGTCCTGG[C>T]CTTTGTCCTTCCGGGCCTCTTTAAAGATCCTGCGTCAGGCAGGGTCCCATAAGGGGGACG-3'
Protein context (NP_954712.1, residues 228-248): RIFKEARKDK[Gly238Asp]QDDFLGNVVL